The following is an entry in ClinVar:

ClinVar aggregate classification (germline): Benign/Likely benign. Review status: criteria provided, multiple submitters, no conflicts (2 of 4 stars). 4 submissions from 4 submitters: Benign (2); Likely benign (2). Last evaluated 2026-01-02.

Conditions:
Lethal multiple pterygium syndrome (LMPS). Identifiers: Orphanet 33108, MedGen C1854678, MONDO:0009668, OMIM 253290.

Allele frequency attached by ClinVar (database versions not stated): gnomAD exomes 0.00020 and 0.00050; ExAC 0.00062; gnomAD 0.00174 and 0.00185; TOPMed 0.00178; 1000 Genomes Project 30x 0.00203; ESP Exome Variant Server 0.00215; 1000 Genomes Project 0.00220.

Submissions (4):

Labcorp Genetics (formerly Invitae), Labcorp
Classification: Benign for Lethal multiple pterygium syndrome. Last evaluated: 2026-01-02. Review status: criteria provided, single submitter. Criteria: Invitae Variant Classification Sherloc (09022015). Collection method: clinical testing. Allele origin: germline.

Mayo Clinic Laboratories, Mayo Clinic
Classification: Benign. Last evaluated: 2024-10-18. Review status: criteria provided, single submitter. Criteria: ACMG Guidelines, 2015. Collection method: clinical testing. Allele origin: germline. Observed: 1 variant allele.
Comment: BA1, BP4, BP7

GeneDx
Classification: Likely benign. Last evaluated: 2019-12-17. Review status: criteria provided, single submitter. Criteria: GeneDx Variant Classification Process June 2021. Collection method: clinical testing. Allele origin: germline. Affected: yes.

Breakthrough Genomics
Classification: Likely benign. Review status: criteria provided, single submitter. Criteria: ACMG Guidelines, 2015. Collection method: not provided. Allele origin: germline. Inheritance: Autosomal recessive inheritance. Affected: yes.

NM_000079.4(CHRNA1):c.621C>T (p.Ser207=)

Gene: CHRNA1 (cholinergic receptor nicotinic alpha 1 subunit; minus strand). Cytogenetic location: 2q31.1.
Variant type: single nucleotide variant.
Coding change: c.621C>T on transcript NM_000079.4 (MANE Select); coding-DNA position 621, C replaced by T.
Protein change: p.Ser207=; no amino-acid change (serine 207 retained).
Molecular consequence: synonymous variant.
Genome position (GRCh38, 1-based): chr2:174,753,660, G>A on the plus strand (C>T on the coding strand, the complement: CHRNA1 is on the minus strand). VCF-style: chr2-174753660-G-A. GRCh37 (hg19) VCF-style: chr2-175618388-G-A.
Other names: p.Ser207=; c.696C>T, p.Ser232= (NM_001039523.3).
Identifiers: ClinVar variation 383111 (VCV000383111.53), dbSNP rs74533173, ClinGen allele CA1974508.